The following is an entry in ClinVar:

NM_006514.4(SCN10A):c.123T>G (p.His41Gln)

Gene: SCN10A (sodium voltage-gated channel alpha subunit 10; minus strand). Cytogenetic location: 3p22.2.
Variant type: single nucleotide variant.
Coding change: c.123T>G on transcript NM_006514.4 (MANE Select); coding-DNA position 123, T replaced by G.
Protein change: p.His41Gln; replaces histidine 41 with glutamine.
Molecular consequence: missense variant.
Genome position (GRCh38, 1-based): chr3:38,793,888, A>C on the plus strand (T>G on the coding strand, the complement: SCN10A is on the minus strand). VCF-style: chr3-38793888-A-C. GRCh37 (hg19) VCF-style: chr3-38835379-A-C.
Other names: c.123T>G, p.His41Gln (NM_001293306.2, NM_001293307.2); short protein forms H41Q.
Identifiers: ClinVar variation 1758093 (VCV001758093.3), dbSNP rs747084510, ClinGen allele CA72963559.

ClinVar aggregate classification (germline): Uncertain significance. Review status: criteria provided, multiple submitters, no conflicts (2 of 4 stars). 2 submissions from 2 submitters: Uncertain significance (2). Last evaluated 2025-12-22.

Conditions:
Cardiovascular phenotype. Identifiers: MedGen CN230736.
Brugada syndrome. Also called: Sudden Unexplained Death Syndrome; Sudden Unexplained Nocturnal Death Syndrome (SUNDS); Sudden unexpected nocturnal death syndrome; Sudden unexplained nocturnal death syndrome. Identifiers: Orphanet 130, MedGen C1142166, MONDO:0015263.

Allele frequency attached by ClinVar (database versions not stated): TOPMed 0.00001.
gnomAD v4.1: 4 of 1,613,950 alleles (0.00025%); highest among the groups gnomAD compares: Non-Finnish European, 0.00034%; no homozygotes.

Submissions (2):

Labcorp Genetics (formerly Invitae), Labcorp
Classification: Uncertain significance for Brugada syndrome. Last evaluated: 2025-12-22. Review status: criteria provided, single submitter. Criteria: Invitae Variant Classification Sherloc (09022015). Collection method: clinical testing. Allele origin: germline.
Comment: This sequence change replaces histidine, which is basic and polar, with glutamine, which is neutral and polar, at codon 41 of the SCN10A protein (p.His41Gln). This variant is not present in population databases (gnomAD no frequency). This variant has not been reported in the literature in individuals affected with SCN10A-related conditions. ClinVar contains an entry for this variant (Variation ID: 1758093). Invitae Evidence Modeling of protein sequence and biophysical properties (such as structural, functional, and spatial information, amino acid conservation, physicochemical variation, residue mobility, and thermodynamic stability) indicates that this missense variant is not expected to disrupt SCN10A protein function with a negative predictive value of 80%. In summary, the available evidence is currently insufficient to determine the role of this variant in disease. Therefore, it has been classified as a Variant of Uncertain Significance.

Ambry Genetics
Classification: Uncertain significance for Cardiovascular phenotype. Last evaluated: 2021-08-07. Review status: criteria provided, single submitter. Criteria: Ambry Variant Classification Scheme 2023. Collection method: clinical testing. Allele origin: germline.
Comment: The p.H41Q variant (also known as c.123T>G), located in coding exon 1 of the SCN10A gene, results from a T to G substitution at nucleotide position 123. The histidine at codon 41 is replaced by glutamine, an amino acid with highly similar properties. This amino acid position is conserved. In addition, this alteration is predicted to be tolerated by in silico analysis. Since supporting evidence is limited at this time, the clinical significance of this alteration remains unclear.